The following is an entry in ClinVar:

NM_001378454.1(ALMS1):c.5771C>G (p.Pro1924Arg)

Gene: ALMS1 (ALMS1 centrosome and basal body associated protein; plus strand). Cytogenetic location: 2p13.1.
Variant type: single nucleotide variant.
Coding change: c.5771C>G on transcript NM_001378454.1 (MANE Select); coding-DNA position 5771, C replaced by G.
Protein change: p.Pro1924Arg; replaces proline 1924 with arginine.
Molecular consequence: missense variant.
Genome position (GRCh38, 1-based): chr2:73,452,298, C>G. VCF-style: chr2-73452298-C-G. GRCh37 (hg19) VCF-style: chr2-73679425-C-G.
Other names: c.5774C>G, p.Pro1925Arg (NM_015120.4); short protein forms P1924R, P1925R.
Identifiers: ClinVar variation 2180095 (VCV002180095.4), dbSNP rs761077374, ClinGen allele CA347283256.
Genomic context (GRCh38, chr2:73,452,298, plus strand): 5'-TTTTTCATCAGCAGGAGTTGCCAGATGTTACTGAAGAAGCTTTAAATGTTTTTGTTGTTC[C>G]TGGACAAGGTGACCGGAAGACTGAGATACCAACAGTACCTTTAAGTTACTACTCACGTAG-3'
Protein context (NP_001365383.1, residues 1914-1934): TEEALNVFVV[Pro1924Arg]GQGDRKTEIP

ClinVar aggregate classification (germline): Uncertain significance (1 of 4 stars; one submission).

Conditions:
Alstrom syndrome (ALMS). Identifiers: Orphanet 64, MedGen C0268425, MONDO:0008763, OMIM 203800.

Submission:

Labcorp Genetics (formerly Invitae), Labcorp
Classification: Uncertain significance for Alstrom syndrome. Last evaluated: 2022-09-25. Review status: criteria provided, single submitter. Criteria: Invitae Variant Classification Sherloc (09022015). Collection method: clinical testing. Allele origin: germline.
Comment: This sequence change replaces proline, which is neutral and non-polar, with arginine, which is basic and polar, at codon 1925 of the ALMS1 protein (p.Pro1925Arg). This variant is not present in population databases (gnomAD no frequency). This variant has not been reported in the literature in individuals affected with ALMS1-related conditions. In summary, the available evidence is currently insufficient to determine the role of this variant in disease. Therefore, it has been classified as a Variant of Uncertain Significance.